The following is an entry in ClinVar:

NM_000755.5(CRAT):c.778G>C (p.Ala260Pro)

Gene: CRAT (carnitine O-acetyltransferase; minus strand). Cytogenetic location: 9q34.11.
Variant type: single nucleotide variant.
Coding change: c.778G>C on transcript NM_000755.5 (MANE Select); coding-DNA position 778, G replaced by C.
Protein change: p.Ala260Pro; replaces alanine 260 with proline.
Molecular consequence: missense variant.
Genome position (GRCh38, 1-based): chr9:129,101,910, C>G on the plus strand (G>C on the coding strand, the complement: CRAT is on the minus strand). VCF-style: chr9-129101910-C-G. GRCh37 (hg19) VCF-style: chr9-131864189-C-G.
Other names: c.778G>C (NM_000755.3); c.715G>C, p.Ala239Pro (NM_001257363.3, NM_001346548.2, NM_004003.4); c.781G>C, p.Ala261Pro (NM_001346546.2); c.778G>C, p.Ala260Pro (NM_001346547.2); c.658G>C, p.Ala220Pro (NM_001346549.2); short protein forms A220P, A261P, A239P, A260P.
Identifiers: ClinVar variation 2114583 (VCV002114583.5), dbSNP rs763477667, ClinGen allele CA5275641.

ClinVar aggregate classification (germline): Uncertain significance. Review status: criteria provided, multiple submitters, no conflicts (2 of 4 stars). 2 submissions from 2 submitters: Uncertain significance (2). Last evaluated 2025-06-18.

Allele frequency attached by ClinVar (database versions not stated): TOPMed below 0.00001; ExAC 0.00001; gnomAD exomes 0.00001.
gnomAD v4.1: 3 of 1,614,044 alleles (0.00019%); highest among the groups gnomAD compares: Admixed American, 0.0017%; no homozygotes.

Submissions (2):

Ambry Genetics
Classification: Uncertain significance. Last evaluated: 2025-06-18. Review status: criteria provided, single submitter. Criteria: Ambry Variant Classification Scheme 2023. Collection method: clinical testing. Allele origin: germline.

Labcorp Genetics (formerly Invitae), Labcorp
Classification: Uncertain significance. Last evaluated: 2024-03-25. Review status: criteria provided, single submitter. Criteria: Invitae Variant Classification Sherloc (09022015). Collection method: clinical testing. Allele origin: germline.
Comment: This sequence change replaces alanine, which is neutral and non-polar, with proline, which is neutral and non-polar, at codon 260 of the CRAT protein (p.Ala260Pro). This variant is present in population databases (rs763477667, gnomAD 0.0009%). This variant has not been reported in the literature in individuals affected with CRAT-related conditions. ClinVar contains an entry for this variant (Variation ID: 2114583). Advanced modeling of protein sequence and biophysical properties (such as structural, functional, and spatial information, amino acid conservation, physicochemical variation, residue mobility, and thermodynamic stability) performed at Invitae indicates that this missense variant is not expected to disrupt CRAT protein function with a negative predictive value of 80%. In summary, the available evidence is currently insufficient to determine the role of this variant in disease. Therefore, it has been classified as a Variant of Uncertain Significance.